The following is an entry in ClinVar:

NM_139057.4(ADAMTS17):c.*959C>T

Gene: ADAMTS17 (ADAM metallopeptidase with thrombospondin type 1 motif 17; minus strand). Cytogenetic location: 15q26.3.
Variant type: single nucleotide variant.
Coding change: c.*959C>T on transcript NM_139057.4 (MANE Select); 959 bases downstream of the stop codon, C replaced by T.
Molecular consequence: 3 prime UTR variant.
Genome position (GRCh38, 1-based): chr15:99,973,443, G>A on the plus strand (C>T on the coding strand, the complement: ADAMTS17 is on the minus strand). VCF-style: chr15-99973443-G-A. GRCh37 (hg19) VCF-style: chr15-100513648-G-A.
Identifiers: ClinVar variation 886382 (VCV000886382.4), dbSNP rs141144986, ClinGen allele CA275484776.

ClinVar aggregate classification (germline): Likely benign (1 of 4 stars; one submission).

Conditions:
Weill-Marchesani 4 syndrome, recessive. Also called: Weill-Marchesani syndrome 4. Identifiers: Orphanet 363992, MedGen C2750787, MONDO:0013176, OMIM 613195.

Allele frequency attached by ClinVar (database versions not stated): gnomAD 0.00019 and 0.00023; TOPMed 0.00049; 1000 Genomes Project 0.00060; 1000 Genomes Project 30x 0.00094.

Submission:

Illumina Laboratory Services, Illumina
Classification: Likely benign for Weill-Marchesani 4 syndrome, recessive. Last evaluated: 2018-01-13. Review status: criteria provided, single submitter. Criteria: ICSL Variant Classification Criteria 13 December 2019. Collection method: clinical testing. Allele origin: germline.
Comment: This variant was observed in the ICSL laboratory as part of a predisposition screen in an ostensibly healthy population. It had not been previously curated by ICSL or reported in the Human Gene Mutation Database (HGMD: prior to June 1st, 2018), and was therefore a candidate for classification through an automated scoring system. Utilizing variant allele frequency, disease prevalence and penetrance estimates, and inheritance mode, an automated score was calculated to assess if this variant is too frequent to cause the disease. Based on the score and internal cut-off values, a variant classified as likely benign is not then subjected to further curation. The score for this variant resulted in a classification of likely benign for this disease.